The following is an entry in ClinVar:

NM_000329.3(RPE65):c.646A>T (p.Lys216Ter)

Gene: RPE65 (retinoid isomerohydrolase RPE65; minus strand). Cytogenetic location: 1p31.3.
Variant type: single nucleotide variant.
Coding change: c.646A>T on transcript NM_000329.3 (MANE Select); coding-DNA position 646, A replaced by T.
Protein change: p.Lys216Ter; replaces lysine 216 with a stop codon.
Molecular consequence: nonsense.
Genome position (GRCh38, 1-based): chr1:68,439,640, T>A on the plus strand (A>T on the coding strand, the complement: RPE65 is on the minus strand). VCF-style: chr1-68439640-T-A. GRCh37 (hg19) VCF-style: chr1-68905323-T-A.
Other names: c.538A>T, p.Lys180Ter (NM_001406853.1); c.370A>T, p.Lys124Ter (NM_001406856.1, NM_001406857.1); c.646A>T, p.Lys216Ter (NM_001406859.1); short protein forms K124*, K180*, K216*.
Identifiers: ClinVar variation 2949504 (VCV002949504.3), dbSNP rs1557600450, ClinGen allele CA340746075.

ClinVar aggregate classification (germline): Pathogenic (1 of 4 stars; one submission).

Conditions:
Retinitis pigmentosa 20 (RP20). Identifiers: Orphanet 791, MedGen C3151086, MONDO:0013425, OMIM 613794.
Leber congenital amaurosis 2 (LCA2). Also called: AMAUROSIS CONGENITA OF LEBER II; Autosomal Recessive RPE65-Related Retinal Degeneration. Identifiers: Orphanet 65, MedGen C1859844, MONDO:0008765, OMIM 204100. Disease mechanism: loss of function.

Submission:

Labcorp Genetics (formerly Invitae), Labcorp
Classification: Pathogenic for Leber congenital amaurosis 2; Retinitis pigmentosa 20. Last evaluated: 2023-07-11. Review status: criteria provided, single submitter. Criteria: Invitae Variant Classification Sherloc (09022015). Collection method: clinical testing. Allele origin: germline.
Comment: For these reasons, this variant has been classified as Pathogenic. Algorithms developed to predict the effect of sequence changes on RNA splicing suggest that this variant may disrupt the consensus splice site. This variant has not been reported in the literature in individuals affected with RPE65-related conditions. This variant is not present in population databases (gnomAD no frequency). This sequence change creates a premature translational stop signal (p.Lys216*) in the RPE65 gene. It is expected to result in an absent or disrupted protein product. Loss-of-function variants in RPE65 are known to be pathogenic (PMID: 9326941, 9501220, 9843205, 18632300).

Literature cited by the submitters: PubMed 9326941; PubMed 9501220; PubMed 9843205; PubMed 18632300.